The following is an entry in ClinVar:

ClinVar aggregate classification (germline): Uncertain significance (1 of 4 stars; one submission).

Conditions:
Carney-Stratakis syndrome. Also called: PARAGANGLIOMA AND GASTROINTESTINAL STROMAL TUMOR. Identifiers: Orphanet 97286, MedGen C1847319, MONDO:0011740, OMIM 606864.
Pheochromocytoma. Also called: MAX-Related Hereditary Paraganglioma-Pheochromocytoma Syndrome. Identifiers: Orphanet 29072, MedGen C0031511, MONDO:0008233, OMIM 171300, HP:0002666.
Cowden syndrome 3 (CWS3). Identifiers: Orphanet 201, MedGen CN166604, MONDO:0014045.
Paragangliomas with sensorineural hearing loss. Identifiers: MedGen C1868633.

Submission:

Labcorp Genetics (formerly Invitae), Labcorp
Classification: Uncertain significance for Carney-Stratakis syndrome; Paragangliomas with sensorineural hearing loss; Pheochromocytoma; Cowden syndrome 3. Last evaluated: 2022-06-13. Review status: criteria provided, single submitter. Criteria: Invitae Variant Classification Sherloc (09022015). Collection method: clinical testing. Allele origin: germline.
Comment: This variant has not been reported in the literature in individuals affected with SDHD-related conditions. In summary, the available evidence is currently insufficient to determine the role of this variant in disease. Therefore, it has been classified as a Variant of Uncertain Significance. Algorithms developed to predict the effect of missense changes on protein structure and function (SIFT, PolyPhen-2, Align-GVGD) all suggest that this variant is likely to be tolerated. This variant is not present in population databases (gnomAD no frequency). This sequence change replaces alanine, which is neutral and non-polar, with valine, which is neutral and non-polar, at codon 61 of the SDHD protein (p.Ala61Val).

NM_003002.4(SDHD):c.182C>T (p.Ala61Val)

Gene: SDHD (succinate dehydrogenase complex subunit D; plus strand). Cytogenetic location: 11q23.1.
Variant type: single nucleotide variant.
Coding change: c.182C>T on transcript NM_003002.4 (MANE Select); coding-DNA position 182, C replaced by T.
Protein change: p.Ala61Val; replaces alanine 61 with valine.
Molecular consequence: missense variant. On other transcripts: non-coding transcript variant (1), intron variant (1).
Genome position (GRCh38, 1-based): chr11:112,088,879, C>T. VCF-style: chr11-112088879-C-T. GRCh37 (hg19) VCF-style: chr11-111959603-C-T.
Other names: c.65C>T, p.Ala22Val (NM_001276504.2); c.182C>T, p.Ala61Val (NM_001276506.2); c.169+906C>T (NM_001276503.2); short protein forms A61V, A22V.
Identifiers: ClinVar variation 2005463 (VCV002005463.4), dbSNP rs2135269180, ClinGen allele CA382617177.
Genomic context (GRCh38, chr11:112,088,879, plus strand): 5'-GATGTGTGTTTCTCACATCAACTTTTATGAATCTGGTCCTTTTTGTAGCTGGCTCCAAGG[C>T]TGCATCTCTCCACTGGACTAGCGAGAGGGTTGTCAGTGTTTTGCTCCTGGGTCTGCTTCC-3'
Protein context (NP_002993.1, residues 51-71): LSPSHHSGSK[Ala61Val]ASLHWTSERV